The following is an entry in ClinVar:

ClinVar aggregate classification (germline): Uncertain significance (1 of 4 stars; one submission).

gnomAD v4.1: 19 of 1,614,186 alleles (0.0012%); highest among the groups gnomAD compares: Non-Finnish European, 0.0016%; no homozygotes.

Submission:

Mayo Clinic Laboratories, Mayo Clinic
Classification: Uncertain significance. Last evaluated: 2023-08-08. Review status: criteria provided, single submitter. Criteria: ACMG Guidelines, 2015. Collection method: clinical testing. Allele origin: germline. Observed: 1 variant allele.
Comment: BP4

NM_012179.4(FBXO7):c.205G>A (p.Val69Ile)

Gene: FBXO7 (F-box protein 7; plus strand). Cytogenetic location: 22q12.3.
Variant type: single nucleotide variant.
Coding change: c.205G>A on transcript NM_012179.4 (MANE Select); coding-DNA position 205, G replaced by A.
Protein change: p.Val69Ile; replaces valine 69 with isoleucine.
Molecular consequence: missense variant. On other transcripts: 5 prime UTR variant (1), intron variant (1).
Genome position (GRCh38, 1-based): chr22:32,479,063, G>A. VCF-style: chr22-32479063-G-A. GRCh37 (hg19) VCF-style: chr22-32875050-G-A.
Other names: p.Val69Ile; c.-138G>A (NM_001257990.2); c.38-70G>A (NM_001033024.2); short protein forms V69I.
Identifiers: ClinVar variation 3380709 (VCV003380709.1).